The following is an entry in ClinVar:

NM_001009944.3(PKD1):c.5172C>T (p.Ala1724=)

Gene: PKD1 (polycystin 1, transient receptor potential channel interacting; minus strand). Cytogenetic location: 16p13.3.
Variant type: single nucleotide variant.
Coding change: c.5172C>T on transcript NM_001009944.3 (MANE Select); coding-DNA position 5172, C replaced by T.
Protein change: p.Ala1724=; no amino-acid change (alanine 1724 retained).
Molecular consequence: synonymous variant.
Genome position (GRCh38, 1-based): chr16:2,109,995, G>A on the plus strand (C>T on the coding strand, the complement: PKD1 is on the minus strand). VCF-style: chr16-2109995-G-A. GRCh37 (hg19) VCF-style: chr16-2159996-G-A.
Other names: p.Ala1724=; c.5172C>T, p.Ala1724= (NM_000296.4).
Identifiers: ClinVar variation 256974 (VCV000256974.20), dbSNP rs9935526, ClinGen allele CA7832092.

ClinVar aggregate classification (germline): Benign. Review status: criteria provided, multiple submitters, no conflicts (2 of 4 stars). 9 submissions from 9 submitters: Benign (8). 1 of the submissions does not count toward it. Last evaluated 2025-03-27.

Conditions:
Autosomal dominant polycystic kidney disease. Identifiers: Orphanet 730, MedGen C0085413, MONDO:0004691.
Polycystic kidney disease, adult type (PKD1). Also called: Polycystic Kidney, Autosomal Dominant; Polycystic Kidney Disease 1, Autosomal Dominant; Polycystic kidney disease 1; Polycystic kidney disease 1, severe; POLYCYSTIC KIDNEY DISEASE 1 WITH OR WITHOUT POLYCYSTIC LIVER DISEASE; POLYCYSTIC KIDNEY DISEASE, ADULT, TYPE I. Identifiers: MedGen C3149841, MONDO:0008263, OMIM 173900.
Polycystic kidney disease. Also called: Polycystic kidney dysplasia; Kidney, Polycystic. Identifiers: MedGen C0022680, MeSH D007690, MONDO:0020642, HP:0000113.

Allele frequency attached by ClinVar (database versions not stated): 1000 Genomes Project 0.21645; 1000 Genomes Project 30x 0.22142; gnomAD 0.24705 and 0.25800; TOPMed 0.25692; ESP Exome Variant Server 0.27232; gnomAD exomes 0.16054 and 0.16471; ExAC 0.16996.
gnomAD v4.1: 278,224 of 1,609,216 alleles (17%); highest among the groups gnomAD compares: African/African-American, 48%; 29,040 homozygotes.

Submissions (9):

Women's Health and Genetics/Laboratory Corporation of America, LabCorp
Classification: Benign. Last evaluated: 2025-03-27. Review status: criteria provided, single submitter. Criteria: LabCorp Variant Classification Summary - May 2015. Collection method: clinical testing. Allele origin: germline.

Blueprint Genetics
Classification: Benign. Last evaluated: 2024-11-27. Review status: criteria provided, single submitter. Criteria: ACMG Guidelines, 2015. Collection method: clinical testing. Allele origin: germline.

Mayo Clinic Laboratories, Mayo Clinic
Classification: Benign. Last evaluated: 2022-04-26. Review status: criteria provided, single submitter. Criteria: ACMG Guidelines, 2015. Collection method: clinical testing. Allele origin: germline. Observed: 288 variant alleles.

ARUP Laboratories, Molecular Genetics and Genomics, ARUP Laboratories
Classification: Benign for Polycystic kidney disease, adult type. Last evaluated: 2020-07-07. Review status: criteria provided, single submitter. Criteria: ARUP Molecular Germline Variant Investigation Process. Collection method: clinical testing. Allele origin: germline.

GeneDx
Classification: Benign. Last evaluated: 2019-09-24. Review status: criteria provided, single submitter. Criteria: GeneDx Variant Classification Process June 2021. Collection method: clinical testing. Allele origin: germline. Affected: yes.
Comment: This variant is associated with the following publications: (PMID: 22608885, 10364515)

Molecular Genetics of Inherited Kidney Disorders Laboratory, Garvan Institute of Medical Research
Classification: Benign for Autosomal dominant polycystic kidney disease. Last evaluated: 2019-01-01. Review status: criteria provided, single submitter. Criteria: ACMG Guidelines, 2015. Collection method: research. Allele origin: germline. Affected: yes.

Breakthrough Genomics
Classification: Benign. Review status: criteria provided, single submitter. Criteria: ACMG Guidelines, 2015. Collection method: not provided. Allele origin: germline. Inheritance: Autosomal dominant inheritance. Affected: yes.

PreventionGenetics, part of Exact Sciences
Classification: Benign. Review status: criteria provided, single submitter. Criteria: ACMG Guidelines, 2015. Collection method: clinical testing. Allele origin: germline.

Department of Pathology and Laboratory Medicine, Sinai Health System
Classification: Benign for Polycystic Kidney disease. Review status: no assertion criteria provided. Collection method: clinical testing. Allele origin: unknown. Affected: yes. Study: The Canadian Open Genetics Repository (COGR). Not counted in ClinVar's aggregate classification.
Comment: The c.5172C>T, p.Ala1724Ala variant was identified in 17% of 18662 control alleles in the Exome Aggregation Consortium (March 14, 2016). According to ACMG guidelines for variant classification based on allele frequency, category BA1, this variant is considered benign and has not been further reviewed (Richards 2015).